The following is an entry in ClinVar:

ClinVar aggregate classification (germline): Uncertain significance (1 of 4 stars; one submission).

Conditions:
Inborn genetic diseases. Identifiers: MedGen C0950123, MeSH D030342.

gnomAD v4.1: 12 of 1,607,924 alleles (0.00075%); highest among the groups gnomAD compares: African/African-American, 0.004%; no homozygotes.

Submission:

Ambry Genetics
Classification: Uncertain significance for Inborn genetic diseases. Last evaluated: 2025-10-28. Review status: criteria provided, single submitter. Criteria: Ambry Variant Classification Scheme 2023. Collection method: clinical testing. Allele origin: germline.
Comment: The c.7255G>A (p.D2419N) alteration is located in exon 45 (coding exon 42) of the WDFY3 gene. This alteration results from a G to A substitution at nucleotide position 7255, causing the aspartic acid (D) at amino acid position 2419 to be replaced by an asparagine (N). Based on data from gnomAD, the A allele has an overall frequency of 0.002% (5/246248) total alleles studied. The highest observed frequency was 0.019% (3/16066) of African alleles. Based on insufficient or conflicting evidence, the clinical significance of this alteration remains unclear.

NM_014991.6(WDFY3):c.7255G>A (p.Asp2419Asn)

Gene: WDFY3 (WD repeat and FYVE domain containing 3; minus strand). Cytogenetic location: 4q21.23.
Variant type: single nucleotide variant.
Coding change: c.7255G>A on transcript NM_014991.6 (MANE Select); coding-DNA position 7255, G replaced by A.
Protein change: p.Asp2419Asn; replaces aspartic acid 2419 with asparagine.
Molecular consequence: missense variant.
Genome position (GRCh38, 1-based): chr4:84,726,878, C>T on the plus strand (G>A on the coding strand, the complement: WDFY3 is on the minus strand). VCF-style: chr4-84726878-C-T. GRCh37 (hg19) VCF-style: chr4-85648031-C-T.
Other names: short protein forms D2419N.
Identifiers: ClinVar variation 4634630 (VCV004634630.1).